The following is an entry in ClinVar:

NM_000158.4(GBE1):c.1115del (p.Gly372fs)

Gene: GBE1 (1,4-alpha-glucan branching enzyme 1; minus strand). Cytogenetic location: 3p12.2.
Variant type: Deletion.
Coding change: c.1115del on transcript NM_000158.4 (MANE Select); coding-DNA position 1115, one base deleted (G; older notation c.1115delG).
Protein change: p.Gly372fs; shifts the reading frame from glycine 372.
Molecular consequence: frameshift variant.
Genome position (GRCh38, 1-based): chr3:81,591,158, C deleted on the plus strand (G on the coding strand, the reverse complement: GBE1 is on the minus strand); the first of 2 consecutive C bases (chr3:81,591,158-81,591,159); deleting either gives the same sequence. VCF-style (leftmost placement, unchanged base first): chr3-81591157-AC-A. GRCh37 (hg19) VCF-style: chr3-81640308-AC-A.
Other names: short protein forms G372fs.
Identifiers: ClinVar variation 2950769 (VCV002950769.3), dbSNP rs2471740291, ClinGen allele CA2740094506.

ClinVar aggregate classification (germline): Pathogenic (1 of 4 stars; one submission).

Conditions:
Glycogen storage disease, type IV (GSD4). Also called: AMYLOPECTINOSIS; ANDERSEN DISEASE; BRANCHER DEFICIENCY; CIRRHOSIS, FAMILIAL, WITH DEPOSITION OF ABNORMAL GLYCOGEN; GBE1 DEFICIENCY; GLYCOGEN BRANCHING ENZYME DEFICIENCY. Identifiers: Orphanet 367, MedGen C0017923, MONDO:0009292, OMIM 232500.
Glycogen storage disease IV, classic hepatic. Also called: GSD IV, CLASSIC HEPATIC. Identifiers: MedGen C1856301.

Submission:

Labcorp Genetics (formerly Invitae), Labcorp
Classification: Pathogenic for Glycogen storage disease, type IV; Glycogen storage disease IV, classic hepatic. Last evaluated: 2023-08-07. Review status: criteria provided, single submitter. Criteria: Invitae Variant Classification Sherloc (09022015). Collection method: clinical testing. Allele origin: germline.
Comment: For these reasons, this variant has been classified as Pathogenic. This variant has not been reported in the literature in individuals affected with GBE1-related conditions. This variant is not present in population databases (gnomAD no frequency). This sequence change creates a premature translational stop signal (p.Gly372Valfs*14) in the GBE1 gene. It is expected to result in an absent or disrupted protein product. Loss-of-function variants in GBE1 are known to be pathogenic (PMID: 15452297, 20058079).

Literature cited by the submitters: PubMed 15452297; PubMed 20058079.